The following is an entry in ClinVar:

NM_000051.4(ATM):c.5146A>G (p.Thr1716Ala)

Gene: ATM (ATM serine/threonine kinase; plus strand). Cytogenetic location: 11q22.3.
Variant type: single nucleotide variant.
Coding change: c.5146A>G on transcript NM_000051.4 (MANE Select); coding-DNA position 5146, A replaced by G.
Protein change: p.Thr1716Ala; replaces threonine 1716 with alanine.
Molecular consequence: missense variant.
Genome position (GRCh38, 1-based): chr11:108,299,854, A>G. VCF-style: chr11-108299854-A-G. GRCh37 (hg19) VCF-style: chr11-108170581-A-G.
Other names: c.5146A>G, p.Thr1716Ala (NM_001351834.2); short protein forms T1716A.
Identifiers: ClinVar variation 4825537 (VCV004825537.1).
Genomic context (GRCh38, chr11:108,299,854, plus strand): 5'-TATACCAAGGCCCTTAAGTTATTTGAAGATAAAGAACTTCAGTGGACCTTCATAATGCTG[A>G]CCTACCTGAATAACACACTGGTAGAAGATTGGTGAGTATTTATTGATACCTTATATGTAA-3'
Protein context (NP_000042.3, residues 1706-1726): KELQWTFIML[Thr1716Ala]YLNNTLVEDC

ClinVar aggregate classification (germline): Uncertain significance (1 of 4 stars; one submission).

Conditions:
Hereditary cancer-predisposing syndrome. Also called: Neoplastic Syndromes, Hereditary; Tumor predisposition; Hereditary Cancer Syndrome; Hereditary neoplastic syndrome. Identifiers: Orphanet 140162, MedGen C0027672, MeSH D009386, MONDO:0015356.

Submission:

Ambry Genetics
Classification: Uncertain significance for Hereditary cancer-predisposing syndrome. Last evaluated: 2026-02-17. Review status: criteria provided, single submitter. Criteria: Ambry Variant Classification Scheme 2023. Collection method: clinical testing. Allele origin: germline.
Comment: The p.T1716A variant (also known as c.5146A>G), located in coding exon 33 of the ATM gene, results from an A to G substitution at nucleotide position 5146. The threonine at codon 1716 is replaced by alanine, an amino acid with similar properties. This amino acid position is conserved. In addition, this alteration is predicted to be tolerated by in silico analysis. Based on the available evidence, the clinical significance of this variant remains unclear.